The following is an entry in ClinVar:

ClinVar aggregate classification (germline): Uncertain significance (1 of 4 stars; one submission).

gnomAD v4.1: 1 of 1,610,106 alleles (0.000062%); highest among the groups gnomAD compares: Admixed American, 0.0017%; no homozygotes.

Submission:

Labcorp Genetics (formerly Invitae), Labcorp
Classification: Uncertain significance. Last evaluated: 2024-06-06. Review status: criteria provided, single submitter. Criteria: Invitae Variant Classification Sherloc (09022015). Collection method: clinical testing. Allele origin: germline.
Comment: This sequence change replaces aspartic acid, which is acidic and polar, with asparagine, which is neutral and polar, at codon 280 of the KANK2 protein (p.Asp280Asn). This variant is present in population databases (rs764691739, gnomAD 0.003%). This variant has not been reported in the literature in individuals affected with KANK2-related conditions. An algorithm developed to predict the effect of missense changes on protein structure and function (PolyPhen-2) suggests that this variant is likely to be disruptive. In summary, the available evidence is currently insufficient to determine the role of this variant in disease. Therefore, it has been classified as a Variant of Uncertain Significance.

NM_001136191.3(KANK2):c.838G>A (p.Asp280Asn)

Gene: KANK2 (KN motif and ankyrin repeat domains 2; minus strand). Cytogenetic location: 19p13.2.
Variant type: single nucleotide variant.
Coding change: c.838G>A on transcript NM_001136191.3 (MANE Select); coding-DNA position 838, G replaced by A.
Protein change: p.Asp280Asn; replaces aspartic acid 280 with asparagine.
Molecular consequence: missense variant.
Genome position (GRCh38, 1-based): chr19:11,193,242, C>T on the plus strand (G>A on the coding strand, the complement: KANK2 is on the minus strand). VCF-style: chr19-11193242-C-T. GRCh37 (hg19) VCF-style: chr19-11303918-C-T.
Other names: c.838G>A, p.Asp280Asn (NM_001329451.2, NM_001379548.1, NM_001379549.1 and 15 more transcripts); short protein forms D280N.
Identifiers: ClinVar variation 3655780 (VCV003655780.2).